The following is an entry in ClinVar:

NM_144736.5(NDUFAF7):c.409-157G>T

Gene: NDUFAF7 (NADH:ubiquinone oxidoreductase complex assembly factor 7; plus strand). Cytogenetic location: 2p22.2.
Variant type: single nucleotide variant.
Coding change: c.409-157G>T on transcript NM_144736.5 (MANE Select); 157 bases into the intron before coding-DNA position 409, G replaced by T.
Molecular consequence: intron variant.
Genome position (GRCh38, 1-based): chr2:37,241,421, G>T. VCF-style: chr2-37241421-G-T. GRCh37 (hg19) VCF-style: chr2-37468564-G-T.
Other names: NC_000002.11:g.37468564G>T; c.409-157G>T (NM_001350024.2, NM_001350027.2); c.328-157G>T (NM_001350025.2, NM_001083946.2).
Identifiers: ClinVar variation 682732 (VCV000682732.2), dbSNP rs2041837, ClinGen allele CA45473727.

ClinVar aggregate classification (germline): Benign (1 of 4 stars; one submission).

Allele frequency attached by ClinVar (database versions not stated): 1000 Genomes Project 30x 0.71643; gnomAD 0.63543 and 0.62841; TOPMed 0.64193; 1000 Genomes Project 0.72304.
gnomAD v4.1: 96,735 of 151,984 alleles (64%); highest among the groups gnomAD compares: East Asian, 98%; 31,607 homozygotes.

Submissions (2):

GeneDx
Classification: Benign. Last evaluated: 2018-06-14. Review status: criteria provided, single submitter. Criteria: GeneDx Variant Classification (06012015). Collection method: clinical testing. Allele origin: germline. Affected: yes.
Comment: This variant is considered likely benign or benign based on one or more of the following criteria: it is a conservative change, it occurs at a poorly conserved position in the protein, it is predicted to be benign by multiple in silico algorithms, and/or has population frequency not consistent with disease.

Dr. Peter K. Rogan Lab, Western University
No classification provided (evidence only). Condition: Hepatocellular carcinoma. Review status: no classification provided. Collection method: in vitro. Allele origin: not applicable. Functional consequence: retained intron. Not counted in ClinVar's aggregate classification.